The following is an entry in ClinVar:

ClinVar aggregate classification (germline): Uncertain significance (1 of 4 stars; one submission).

Conditions:
Orofacial cleft 6, susceptibility to (OFC6). Also called: CLEFT LIP WITH OR WITHOUT CLEFT PALATE, NONSYNDROMIC, 6. Identifiers: MedGen C1837213, MONDO:0012141, OMIM 608864.
Popliteal pterygium syndrome (PPS). Identifiers: Orphanet 294963, MedGen C0265259, MONDO:0017435.
Van der Woude syndrome. Identifiers: Orphanet 888, MedGen C0175697, MONDO:0019508.

Submission:

Labcorp Genetics (formerly Invitae), Labcorp
Classification: Uncertain significance for Orofacial cleft 6, susceptibility to; Van der Woude syndrome; Popliteal pterygium syndrome. Last evaluated: 2022-04-12. Review status: criteria provided, single submitter. Criteria: Invitae Variant Classification Sherloc (09022015). Collection method: clinical testing. Allele origin: germline.
Comment: This sequence change falls in intron 4 of the IRF6 gene. It does not directly change the encoded amino acid sequence of the IRF6 protein. It affects a nucleotide within the consensus splice site. In summary, the available evidence is currently insufficient to determine the role of this variant in disease. Therefore, it has been classified as a Variant of Uncertain Significance. Variants that disrupt the consensus splice site are a relatively common cause of aberrant splicing (PMID: 17576681, 9536098). Algorithms developed to predict the effect of sequence changes on RNA splicing suggest that this variant may create or strengthen a splice site. This variant has been observed in individual(s) with van der Woude syndrome (Invitae). This variant is not present in population databases (gnomAD no frequency).

Literature cited by the submitters: PubMed 17576681; PubMed 9536098.

NM_006147.4(IRF6):c.379+3G>T

Gene: IRF6 (interferon regulatory factor 6; minus strand). Cytogenetic location: 1q32.2.
Variant type: single nucleotide variant.
Coding change: c.379+3G>T on transcript NM_006147.4 (MANE Select); 3 bases into the intron after coding-DNA position 379, G replaced by T.
Molecular consequence: intron variant.
Genome position (GRCh38, 1-based): chr1:209,796,345, C>A on the plus strand (G>T on the coding strand, the complement: IRF6 is on the minus strand). VCF-style: chr1-209796345-C-A. GRCh37 (hg19) VCF-style: chr1-209969690-C-A.
Other names: c.94+3G>T (NM_001206696.2).
Identifiers: ClinVar variation 2125039 (VCV002125039.4), dbSNP rs2464683280, ClinGen allele CA2580061986.